The following is an entry in ClinVar:

NM_006767.4(LZTR1):c.1927C>T (p.Gln643Ter)

Gene: LZTR1 (leucine zipper like post translational regulator 1; plus strand). Cytogenetic location: 22q11.21.
Variant type: single nucleotide variant.
Coding change: c.1927C>T on transcript NM_006767.4 (MANE Select); coding-DNA position 1927, C replaced by T.
Protein change: p.Gln643Ter; replaces glutamine 643 with a stop codon.
Molecular consequence: nonsense.
Genome position (GRCh38, 1-based): chr22:20,995,011, C>T. VCF-style: chr22-20995011-C-T. GRCh37 (hg19) VCF-style: chr22-21349300-C-T.
Other names: c.1927C>T (NM_006767.3); short protein forms Q643*.
Identifiers: ClinVar variation 3606667 (VCV003606667.4).
Genomic context (GRCh38, chr22:20,995,011, plus strand): 5'-CCACTGATAGTGGAGATTGTGCGGCGGAAGCAGCAGCCGCCCCCTCGCACTCCCTTGGAC[C>T]AGCCAGTGGACATTGGTAGGGAGCCCCGTTCCCCTTCCCTGGGGGCTGGGAGGGATGGTG-3'

ClinVar aggregate classification (germline): Pathogenic/Likely pathogenic. Review status: criteria provided, multiple submitters, no conflicts (2 of 4 stars). 3 submissions from 3 submitters: Pathogenic (2); Likely pathogenic (1). Last evaluated 2025-12-11.

Conditions:
Cardiovascular phenotype. Identifiers: MedGen CN230736.
Hereditary cancer-predisposing syndrome. Also called: Neoplastic Syndromes, Hereditary; Tumor predisposition; Hereditary neoplastic syndrome; Hereditary Cancer Syndrome. Identifiers: Orphanet 140162, MedGen C0027672, MeSH D009386, MONDO:0015356.
LZTR1-related disorder. Also called: LZTR1-related disorders; LZTR1-related condition.

gnomAD v4.1: 2 of 1,610,720 alleles (0.00012%); highest among the groups gnomAD compares: Non-Finnish European, 0.000085%; no homozygotes.

Submissions (3):

Ambry Genetics
Classification: Pathogenic for Cardiovascular phenotype; Hereditary cancer-predisposing syndrome. Last evaluated: 2025-12-11. Review status: criteria provided, single submitter. Criteria: Ambry Variant Classification Scheme 2023. Collection method: clinical testing. Allele origin: germline.
Comment: The p.Q643* variant (also known as c.1927C>T), located in coding exon 16 of the LZTR1 gene, results from a C to T substitution at nucleotide position 1927. This changes the amino acid from a glutamine to a stop codon within coding exon 16. This variant is considered to be rare based on population cohorts in the Genome Aggregation Database (gnomAD). This alteration is expected to result in loss of function by premature protein truncation or nonsense-mediated mRNA decay. Loss-of-function variants in LZTR1 are related to an increased risk for schwannomas and autosomal recessive Noonan syndrome; however, such associations with autosomal dominant Noonan syndrome have not been observed (Piotrowski A et al. Nat Genet. 2014 Feb;46:182-7; Yamamoto GL et al. J Med Genet. 2015 Jun;52:413-21; Johnston JJ et al. Genet Med. 2018 10;20:1175-1185). Based on the supporting evidence, this variant is pathogenic for an increased risk of LZTR1-related schwannomatosis (SWN) and would be expected to cause autosomal recessive Noonan syndrome when present along with a second pathogenic or likely pathogenic variant on the other allele; however, the association of this alteration with autosomal dominant Noonan syndrome is unlikely.

Labcorp Genetics (formerly Invitae), Labcorp
Classification: Pathogenic. Last evaluated: 2024-10-15. Review status: criteria provided, single submitter. Criteria: Invitae Variant Classification Sherloc (09022015). Collection method: clinical testing. Allele origin: germline.
Comment: This sequence change creates a premature translational stop signal (p.Gln643*) in the LZTR1 gene. It is expected to result in an absent or disrupted protein product. Loss-of-function variants in LZTR1 are known to be pathogenic (PMID: 24362817, 25335493, 25480913, 25795793, 29469822, 30368668, 30442762, 30442766, 30481304, 30859559). This variant is not present in population databases (gnomAD no frequency). This variant has not been reported in the literature in individuals affected with LZTR1-related conditions. For these reasons, this variant has been classified as Pathogenic.

Blueprint Genetics
Classification: Likely pathogenic for LZTR1-related disorders. Last evaluated: 2022-11-29. Review status: criteria provided, single submitter. Criteria: ACMG Guidelines, 2015. Collection method: clinical testing. Allele origin: germline. Affected: yes. Observed: 1 variant allele.

Literature cited by the submitters: PubMed 24362817 (cited by Labcorp Genetics (formerly Invitae), Labcorp); PubMed 25335493 (cited by Labcorp Genetics (formerly Invitae), Labcorp); PubMed 25480913 (cited by Labcorp Genetics (formerly Invitae), Labcorp); PubMed 25795793 (cited by Labcorp Genetics (formerly Invitae), Labcorp); PubMed 29469822 (cited by Labcorp Genetics (formerly Invitae), Labcorp); PubMed 30368668 (cited by Labcorp Genetics (formerly Invitae), Labcorp); PubMed 30442762 (cited by Labcorp Genetics (formerly Invitae), Labcorp); PubMed 30442766 (cited by Labcorp Genetics (formerly Invitae), Labcorp); PubMed 30481304 (cited by Labcorp Genetics (formerly Invitae), Labcorp); PubMed 30859559 (cited by Labcorp Genetics (formerly Invitae), Labcorp).